The following is an entry in ClinVar:

NM_006796.3(AFG3L2):c.1540C>T (p.Pro514Ser)

Gene: AFG3L2 (AFG3 like matrix AAA peptidase subunit 2; minus strand). Cytogenetic location: 18p11.21.
Variant type: single nucleotide variant.
Coding change: c.1540C>T on transcript NM_006796.3 (MANE Select); coding-DNA position 1540, C replaced by T.
Protein change: p.Pro514Ser; replaces proline 514 with serine.
Molecular consequence: missense variant.
Genome position (GRCh38, 1-based): chr18:12,351,097, G>A on the plus strand (C>T on the coding strand, the complement: AFG3L2 is on the minus strand). VCF-style: chr18-12351097-G-A. GRCh37 (hg19) VCF-style: chr18-12351096-G-A.
Other names: short protein forms P514S.
Identifiers: ClinVar variation 427103 (VCV000427103.23), dbSNP rs1005670966, ClinGen allele CA296700786.
Genomic context (GRCh38, chr18:12,351,097, plus strand): 5'-CTGATTTTAATATGCTTCTAAATAGGGTCCTCGTTATTTTCCACTCACCTGAAAACCCTG[G>A]AGTTAAAGATGCCAGTTTTCTTGCCAATTTATCCTTCTCCAGGGTACTGTCCAGTTTTAG-3'
Protein context (NP_006787.2, residues 504-524): KLARKLASLT[Pro514Ser]GFSGADVANV

ClinVar aggregate classification (germline): Conflicting classifications of pathogenicity. Review status: criteria provided, conflicting classifications (1 of 4 stars). 2 submissions from 2 submitters: Likely pathogenic (1); Uncertain significance (1). Last evaluated 2024-01-01.

Allele frequency attached by ClinVar (database versions not stated): TOPMed below 0.00001; gnomAD exomes 0.00002.
gnomAD v4.1: 36 of 1,612,926 alleles (0.0022%); highest among the groups gnomAD compares: Non-Finnish European, 0.0028%; no homozygotes.

Submissions (2):

CeGaT Center for Human Genetics Tuebingen
Classification: Uncertain significance. Last evaluated: 2024-01-01. Review status: criteria provided, single submitter. Criteria: CeGaT Center For Human Genetics Tuebingen Variant Classification Criteria Version 2. Collection method: clinical testing. Allele origin: germline. Affected: yes. Observed: 1 variant allele.
Comment: AFG3L2: PM2, PM5, PP3

GeneDx
Classification: Likely pathogenic. Last evaluated: 2015-06-09. Review status: criteria provided, single submitter. Criteria: GeneDx Variant Classification (06012015). Collection method: clinical testing. Allele origin: germline. Affected: yes.
Comment: The P514S variant in the AFG3L2 gene has not been published as a pathogenic variant, nor has it been reported as a benign polymorphism to our knowledge. The P514S variant was not observed in approximately 6500 individuals of European and African American ancestry in the NHLBI Exome Sequencing Project, indicating it is not a common benign variant in these populations. The P514S variant is a non-conservative amino acid substitution, which is likely to impact secondary protein structure as these residues differ in polarity, charge, size and/or other properties. This substitution occurs at a position that is conserved across species. In silico analysis predicts this variant is probably damaging to the protein structure/function. The P514S variant is a strong candidate for a disease-causing variant, however the possibility it may be a rare benign variant cannot be excluded.